The following is an entry in ClinVar:

ClinVar aggregate classification (germline): Uncertain significance (1 of 4 stars; one submission).

Allele frequency attached by ClinVar (database versions not stated): TOPMed below 0.00001; gnomAD 0.00001; gnomAD exomes 0.00002.
gnomAD v4.1: 24 of 1,612,786 alleles (0.0015%); highest among the groups gnomAD compares: Non-Finnish European, 0.0019%; no homozygotes.

Submission:

Labcorp Genetics (formerly Invitae), Labcorp
Classification: Uncertain significance. Last evaluated: 2022-03-26. Review status: criteria provided, single submitter. Criteria: Invitae Variant Classification Sherloc (09022015). Collection method: clinical testing. Allele origin: germline.
Comment: This variant is present in population databases (no rsID available, gnomAD 0.0009%). This sequence change replaces alanine, which is neutral and non-polar, with valine, which is neutral and non-polar, at codon 1497 of the ABCC6 protein (p.Ala1497Val). This variant has not been reported in the literature in individuals affected with ABCC6-related conditions. In summary, the available evidence is currently insufficient to determine the role of this variant in disease. Therefore, it has been classified as a Variant of Uncertain Significance. Advanced modeling of protein sequence and biophysical properties (such as structural, functional, and spatial information, amino acid conservation, physicochemical variation, residue mobility, and thermodynamic stability) performed at Invitae indicates that this missense variant is not expected to disrupt ABCC6 protein function.

NM_001171.6(ABCC6):c.4490C>T (p.Ala1497Val)

Gene: ABCC6 (ATP binding cassette subfamily C member 6; minus strand). Cytogenetic location: 16p13.11.
Variant type: single nucleotide variant.
Coding change: c.4490C>T on transcript NM_001171.6 (MANE Select); coding-DNA position 4490, C replaced by T.
Protein change: p.Ala1497Val; replaces alanine 1497 with valine.
Molecular consequence: missense variant. On other transcripts: non-coding transcript variant (1).
Genome position (GRCh38, 1-based): chr16:16,150,155, G>A on the plus strand (C>T on the coding strand, the complement: ABCC6 is on the minus strand). VCF-style: chr16-16150155-G-A. GRCh37 (hg19) VCF-style: chr16-16244012-G-A.
Other names: c.4148C>T, p.Ala1383Val (NM_001351800.1); short protein forms A1383V, A1497V.
Identifiers: ClinVar variation 1900243 (VCV001900243.5), dbSNP rs1367035787, ClinGen allele CA394883472.